The following is an entry in ClinVar:

ClinVar aggregate classification (germline): Pathogenic/Likely pathogenic. Review status: criteria provided, multiple submitters, no conflicts (2 of 4 stars). 5 submissions from 5 submitters: Pathogenic (2); Likely pathogenic (3). Last evaluated 2026-03-04.

Conditions:
Orofaciodigital syndrome type 14. Also called: Orofaciodigital syndrome xiv. Identifiers: Orphanet 434179, MedGen C4706604, MONDO:0014413, OMIM 615948.

Submissions (5):

Dasa
Classification: Likely pathogenic. Last evaluated: 2026-03-04. Review status: criteria provided, single submitter. Criteria: DASA Assertion Criteria. Collection method: clinical testing. Allele origin: germline.
Comment: NM_001286577.2(C2CD3):c.994dup (p.Val332Glyfs*23) is a frameshift variant in C2CD3 predicted to alter the reading frame and introduce a premature termination codon and is predicted to result in an absent or altered protein product. Loss of function is an established disease mechanism for C2CD3-associated disorders. Also, this variant is rare in population databases. Based on the currently available evidence, this variant is classified as likely pathogenic.

Labcorp Genetics (formerly Invitae), Labcorp
Classification: Pathogenic. Last evaluated: 2025-03-03. Review status: criteria provided, single submitter. Criteria: Invitae Variant Classification Sherloc (09022015). Collection method: clinical testing. Allele origin: germline.
Comment: This sequence change creates a premature translational stop signal (p.Val332Glyfs*23) in the C2CD3 gene. It is expected to result in an absent or disrupted protein product. Loss-of-function variants in C2CD3 are known to be pathogenic (PMID: 24997988, 26477546). This variant is present in population databases (rs750700691, gnomAD 0.006%). This variant has not been reported in the literature in individuals affected with C2CD3-related conditions. ClinVar contains an entry for this variant (Variation ID: 1072108). For these reasons, this variant has been classified as Pathogenic.

GeneDx
Classification: Likely pathogenic. Last evaluated: 2024-05-24. Review status: criteria provided, single submitter. Criteria: GeneDx Variant Classification Process June 2021. Collection method: clinical testing. Allele origin: germline. Affected: yes.
Comment: Frameshift variant predicted to result in protein truncation or nonsense mediated decay in a gene for which loss-of-function is a known mechanism of disease; Has not been previously published as pathogenic or benign to our knowledge

Women's Health and Genetics/Laboratory Corporation of America, LabCorp
Classification: Pathogenic for Orofaciodigital syndrome type 14. Last evaluated: 2024-05-24. Review status: criteria provided, single submitter. Criteria: LabCorp Variant Classification Summary - May 2015. Collection method: clinical testing. Allele origin: germline.
Comment: Variant summary: C2CD3 c.994dupG (p.Val332GlyfsX23) results in a premature termination codon, predicted to cause absence of the protein due to nonsense mediated decay, which is a commonly known mechanism for disease. The variant allele was found at a frequency of 8e-06 in 251328 control chromosomes (gnomAD). To our knowledge, no occurrence of c.994dupG in individuals affected with Orofaciodigital Syndrome Type 14 and no experimental evidence demonstrating its impact on protein function have been reported. ClinVar contains an entry for this variant (Variation ID: 1072108). Based on the evidence outlined above, the variant was classified as pathogenic.

Revvity Omics, Revvity
Classification: Likely pathogenic for Orofaciodigital syndrome type 14. Last evaluated: 2019-07-10. Review status: criteria provided, single submitter. Criteria: ACMG Guidelines, 2015. Collection method: clinical testing. Allele origin: germline.

Literature cited by the submitters: PubMed 24997988 (cited by Labcorp Genetics (formerly Invitae), Labcorp); PubMed 26477546 (cited by Labcorp Genetics (formerly Invitae), Labcorp).

NM_001286577.2(C2CD3):c.994dup (p.Val332fs)

Gene: C2CD3 (C2 domain containing 3 centriole elongation regulator; minus strand). Cytogenetic location: 11q13.4.
Variant type: Duplication.
Coding change: c.994dup on transcript NM_001286577.2 (MANE Select); coding-DNA position 994, one base duplicated (G; older notation c.994dupG).
Protein change: p.Val332fs; shifts the reading frame from valine 332.
Molecular consequence: frameshift variant.
Genome position (GRCh38, 1-based): chr11:74,133,519, C duplicated on the plus strand (G on the coding strand, the reverse complement: C2CD3 is on the minus strand); the first of 2 consecutive C bases (chr11:74,133,519-74,133,520); duplicating either gives the same sequence. VCF-style (leftmost placement, unchanged base first): chr11-74133518-A-AC. GRCh37 (hg19) VCF-style: chr11-73844563-A-AC.
Other names: c.994dupG (NM_015531.6); c.994dup, p.Val332fs (NM_015531.6); c.994dup (NM_015531.5); short protein forms V332fs.
Identifiers: ClinVar variation 1072108 (VCV001072108.14), dbSNP rs750700691, ClinGen allele CA6183077.